The following is an entry in ClinVar:

NM_004064.5(CDKN1B):c.478T>G (p.Ser160Ala)

Gene: CDKN1B (cyclin dependent kinase inhibitor 1B; plus strand). Cytogenetic location: 12p13.1.
Variant type: single nucleotide variant.
Coding change: c.478T>G on transcript NM_004064.5 (MANE Select); coding-DNA position 478, T replaced by G.
Protein change: p.Ser160Ala; replaces serine 160 with alanine.
Molecular consequence: missense variant.
Genome position (GRCh38, 1-based): chr12:12,718,827, T>G. VCF-style: chr12-12718827-T-G. GRCh37 (hg19) VCF-style: chr12-12871761-T-G.
Other names: short protein forms S160A.
Identifiers: ClinVar variation 3999752 (VCV003999752.1).

ClinVar aggregate classification (germline): Uncertain significance (1 of 4 stars; one submission).

Conditions:
Hereditary cancer-predisposing syndrome. Also called: Tumor predisposition; Hereditary neoplastic syndrome; Neoplastic Syndromes, Hereditary; Hereditary Cancer Syndrome. Identifiers: Orphanet 140162, MedGen C0027672, MeSH D009386, MONDO:0015356.

Submission:

Ambry Genetics
Classification: Uncertain significance for Hereditary cancer-predisposing syndrome. Last evaluated: 2025-05-15. Review status: criteria provided, single submitter. Criteria: Ambry Variant Classification Scheme 2023. Collection method: clinical testing. Allele origin: germline.
Comment: The p.S160A variant (also known as c.478T>G), located in coding exon 2 of the CDKN1B gene, results from a T to G substitution at nucleotide position 478. The serine at codon 160 is replaced by alanine, an amino acid with similar properties. This amino acid position is conserved. In addition, this alteration is predicted to be tolerated by in silico analysis. Based on the available evidence, the clinical significance of this variant remains unclear.